The following is an entry in ClinVar:

NM_018062.4(FANCL):c.726C>A (p.Pro242=)

Gene: FANCL (FA complementation group L; minus strand). Cytogenetic location: 2p16.1.
Variant type: single nucleotide variant.
Coding change: c.726C>A on transcript NM_018062.4 (MANE Select); coding-DNA position 726, C replaced by A.
Protein change: p.Pro242=; no amino-acid change (proline 242 retained).
Molecular consequence: synonymous variant.
Genome position (GRCh38, 1-based): chr2:58,163,483, G>T on the plus strand (C>A on the coding strand, the complement: FANCL is on the minus strand). VCF-style: chr2-58163483-G-T. GRCh37 (hg19) VCF-style: chr2-58390618-G-T.
Other names: c.741C>A, p.Pro247= (NM_001114636.2); c.771C>A, p.Pro257= (NM_001374615.1); c.786C>A, p.Pro262= (NM_001410792.1).
Identifiers: ClinVar variation 2961311 (VCV002961311.5), dbSNP rs191925781, ClinGen allele CA48355686.

ClinVar aggregate classification (germline): Likely benign. Review status: criteria provided, multiple submitters, no conflicts (2 of 4 stars). 2 submissions from 2 submitters: Likely benign (2). Last evaluated 2026-06-01.

Conditions:
Fanconi anemia (FA). Also called: Fanconi's anemia. Identifiers: Orphanet 84, MedGen C0015625, MeSH D005199, MONDO:0019391.

Allele frequency attached by ClinVar (database versions not stated): TOPMed below 0.00001; gnomAD 0.00001; gnomAD exomes 0.00001.
gnomAD v4.1: 5 of 1,609,318 alleles (0.00031%); highest among the groups gnomAD compares: African/African-American, 0.0054%; no homozygotes.

Submissions (2):

CeGaT Center for Human Genetics Tuebingen
Classification: Likely benign. Last evaluated: 2026-06-01. Review status: criteria provided, single submitter. Criteria: CeGaT Center For Human Genetics Tuebingen Variant Classification Criteria Version 2. Collection method: clinical testing. Allele origin: germline. Affected: yes. Observed: 1 variant allele.
Comment: FANCL: BP4, BP7

Labcorp Genetics (formerly Invitae), Labcorp
Classification: Likely benign for Fanconi anemia. Last evaluated: 2023-11-07. Review status: criteria provided, single submitter. Criteria: Invitae Variant Classification Sherloc (09022015). Collection method: clinical testing. Allele origin: germline.